The following is an entry in ClinVar:

NM_001367624.2(ZNF469):c.10177_10178insTGCCGGAGC (p.Glu3392_Arg3393insLeuProGlu)

Gene: ZNF469 (zinc finger protein 469; plus strand). Cytogenetic location: 16q24.2.
Variant type: Insertion.
Coding change: c.10177_10178insTGCCGGAGC on transcript NM_001367624.2 (MANE Select); coding-DNA positions 10177 to 10178, TGCCGGAGC inserted.
Protein change: p.Glu3392_Arg3393insLeuProGlu.
Genome position: GRCh38 VCF-style: chr16-88437642-T-TGGAGCTGCC. GRCh37 (hg19) VCF-style: chr16-88504050-T-TGGAGCTGCC.
Identifiers: ClinVar variation 4536907 (VCV004536907.1).

ClinVar aggregate classification (germline): Uncertain significance (1 of 4 stars; one submission).

Submission:

Women's Health and Genetics/Laboratory Corporation of America, LabCorp
Classification: Uncertain significance. Last evaluated: 2025-11-10. Review status: criteria provided, single submitter. Criteria: LabCorp Variant Classification Summary - May 2015. Collection method: clinical testing. Allele origin: germline.
Comment: Variant summary: ZNF469 c.10177_10178insTGCCGGAGC (p.Glu3392_Arg3393insLeuProGlu) results in an in-frame insertion that is predicted to insert 3 amino acids into the encoded protein. The variant allele was found at a frequency of 2.6e-06 in 1536252 control chromosomes (gnomAD). The available data on variant occurrences in the general population are insufficient to allow any conclusion about variant significance. To our knowledge, no occurrence of c.10177_10178insTGCCGGAGC in individuals affected with ZNF469-related conditions and no experimental evidence demonstrating its impact on protein function have been reported. No submitters have cited clinical-significance assessments for this variant to ClinVar. Based on the evidence outlined above, the variant was classified as uncertain significance.